The following is an entry in ClinVar:

NM_002230.4(JUP):c.1097C>A (p.Pro366His)

Gene: JUP (junction plakoglobin; minus strand). Cytogenetic location: 17q21.2.
Variant type: single nucleotide variant.
Coding change: c.1097C>A on transcript NM_002230.4 (MANE Select); coding-DNA position 1097, C replaced by A.
Protein change: p.Pro366His; replaces proline 366 with histidine.
Molecular consequence: missense variant.
Genome position (GRCh38, 1-based): chr17:41,764,774, G>T on the plus strand (C>A on the coding strand, the complement: JUP is on the minus strand). VCF-style: chr17-41764774-G-T. GRCh37 (hg19) VCF-style: chr17-39921026-G-T.
Other names: c.1097C>A, p.Pro366His (NM_001352773.2, NM_001352774.2, NM_001352775.2 and 3 more transcripts); short protein forms P366H.
Identifiers: ClinVar variation 3222004 (VCV003222004.1), dbSNP rs1159377909, ClinGen allele CA399498903.

ClinVar aggregate classification (germline): Uncertain significance (1 of 4 stars; one submission).

Conditions:
Cardiovascular phenotype. Identifiers: MedGen CN230736.

Submission:

Ambry Genetics
Classification: Uncertain significance for Cardiovascular phenotype. Last evaluated: 2024-03-06. Review status: criteria provided, single submitter. Criteria: Ambry Variant Classification Scheme 2023. Collection method: clinical testing. Allele origin: germline.
Comment: The p.P366H variant (also known as c.1097C>A), located in coding exon 6 of the JUP gene, results from a C to A substitution at nucleotide position 1097. The proline at codon 366 is replaced by histidine, an amino acid with similar properties. This amino acid position is conserved. In addition, this alteration is predicted to be tolerated by in silico analysis. Based on the available evidence, the clinical significance of this alteration remains unclear.